The following is an entry in ClinVar:

ClinVar aggregate classification (germline): Uncertain significance (1 of 4 stars; one submission).

Conditions:
Familial hyperparathyroidism or Hypocalciuric hypercalcaemia.

gnomAD v4.1: 8 of 1,614,026 alleles (0.0005%); highest among the groups gnomAD compares: South Asian, 0.0088%; no homozygotes.

Submission:

Cambridge Genomics Laboratory, East Genomic Laboratory Hub, NHS Genomic Medicine Service
Classification: Uncertain significance for Familial hyperparathyroidism or Hypocalciuric hypercalcaemia. Last evaluated: 2024-08-15. Review status: criteria provided, single submitter. Criteria: ACGS Best Practice Guidelines for Variant Classification in Rare Disease 2020. Collection method: clinical testing. Allele origin: germline. Affected: yes.
Comment: PM2,BP4

NM_004752.4(GCM2):c.954C>A (p.Ser318Arg)

Gene: GCM2 (glial cells missing transcription factor 2; minus strand). Cytogenetic location: 6p24.2.
Variant type: single nucleotide variant.
Coding change: c.954C>A on transcript NM_004752.4 (MANE Select); coding-DNA position 954, C replaced by A.
Protein change: p.Ser318Arg; replaces serine 318 with arginine.
Molecular consequence: missense variant.
Genome position (GRCh38, 1-based): chr6:10,874,562, G>T on the plus strand (C>A on the coding strand, the complement: GCM2 is on the minus strand). VCF-style: chr6-10874562-G-T. GRCh37 (hg19) VCF-style: chr6-10874795-G-T.
Other names: short protein forms S318R.
Identifiers: ClinVar variation 4682118 (VCV004682118.1).